The following is an entry in ClinVar:

NM_001276345.2(TNNT2):c.418C>G (p.Arg140Gly)

Gene: TNNT2 (troponin T2, cardiac type; minus strand). Cytogenetic location: 1q32.1.
Variant type: single nucleotide variant.
Coding change: c.418C>G on transcript NM_001276345.2 (MANE Select); coding-DNA position 418, C replaced by G.
Protein change: p.Arg140Gly; replaces arginine 140 with glycine.
Molecular consequence: missense variant.
Genome position (GRCh38, 1-based): chr1:201,364,369, G>C on the plus strand (C>G on the coding strand, the complement: TNNT2 is on the minus strand). VCF-style: chr1-201364369-G-C. GRCh37 (hg19) VCF-style: chr1-201333497-G-C.
Other names: c.418C>G, p.Arg140Gly (NM_000364.4); c.388C>G, p.Arg130Gly (NM_001001430.3, NM_001001431.3, NM_001276347.2); c.373C>G, p.Arg125Gly (NM_001001432.3); c.298C>G, p.Arg100Gly (NM_001276346.2); short protein forms R100G, R125G, R130G, R140G.
Identifiers: ClinVar variation 1303231 (VCV001303231.2), dbSNP rs397516463, ClinGen allele CA344205964.

ClinVar aggregate classification (germline): Uncertain significance (1 of 4 stars; one submission).

Submission:

GeneDx
Classification: Uncertain significance. Last evaluated: 2019-08-07. Review status: criteria provided, single submitter. Criteria: GeneDx Variant Classification Process June 2021. Collection method: clinical testing. Allele origin: germline. Affected: yes.
Comment: Has not been previously published as pathogenic or benign to our knowledge; Not observed in large population cohorts (Lek et al., 2016); In silico analysis, which includes protein predictors and evolutionary conservation, supports a deleterious effect